The following is an entry in ClinVar:

NM_016284.5(CNOT1):c.1603C>T (p.Arg535Cys)

Gene: CNOT1 (CCR4-NOT transcription complex subunit 1; minus strand). Cytogenetic location: 16q21.
Variant type: single nucleotide variant.
Coding change: c.1603C>T on transcript NM_016284.5 (MANE Select); coding-DNA position 1603, C replaced by T.
Protein change: p.Arg535Cys; replaces arginine 535 with cysteine.
Molecular consequence: missense variant. On other transcripts: non-coding transcript variant (1).
Genome position (GRCh38, 1-based): chr16:58,576,564, G>A on the plus strand (C>T on the coding strand, the complement: CNOT1 is on the minus strand). VCF-style: chr16-58576564-G-A. GRCh37 (hg19) VCF-style: chr16-58610468-G-A.
Other names: c.1603C>T, p.Arg535Cys (NM_001265612.2, NM_206999.3); short protein forms R535C.
Identifiers: ClinVar variation 619606 (VCV000619606.10), dbSNP rs1567417422, ClinGen allele CA396141991.

ClinVar aggregate classification (germline): Pathogenic. Review status: criteria provided, multiple submitters, no conflicts (2 of 4 stars). 5 submissions from 5 submitters: Pathogenic (3). 2 of the submissions do not count toward it. Last evaluated 2024-10-04.

Conditions:
Holoprosencephaly 12 with or without pancreatic agenesis. Identifiers: MedGen C5193131, MONDO:0032787, OMIM 618500.
Vissers-Bodmer syndrome. Identifiers: MedGen C5436647, MONDO:0033618, OMIM 619033.
Holoprosencephaly sequence (HPE). Also called: Holoprosencephaly. Identifiers: Orphanet 2162, MedGen C0079541, MONDO:0016296, HP:0001360.

Submissions (5):

Dubai Health Genomic Medicine Center, Dubai Health
Classification: Pathogenic for Vissers-Bodmer syndrome. Last evaluated: 2024-10-04. Review status: criteria provided, single submitter. Criteria: ACMG Guidelines, 2015. Collection method: research. Allele origin: germline. Affected: yes.
Comment: PS4 moderate, PM1, PM2, PM6

Laboratorio de Genetica e Diagnostico Molecular, Hospital Israelita Albert Einstein
Classification: Pathogenic for Holoprosencephaly 12 with or without pancreatic agenesis. Last evaluated: 2021-05-13. Review status: criteria provided, single submitter. Criteria: ACMG Guidelines, 2015. Collection method: clinical testing. Allele origin: germline. Affected: yes.
Comment: ACMG classification criteria: PS4 moderate, PM1, PM2, PM6 very strong

New York Genome Center
Classification: Pathogenic for Holoprosencephaly 12 with or without pancreatic agenesis. Last evaluated: 2020-02-06. Review status: criteria provided, single submitter. Criteria: NYGC Assertion Criteria 2020. Collection method: clinical testing. Allele origin: de novo. Affected: yes. Observed: 1 heterozygote. Study: CSER-NYCKidSeq.
Comment: The c.1603C>T (p.Arg535Cys) variant identified in the CNOT1 gene substitutes a highly conserved Arginine for Cysteine at amino acid 535/2377 (coding exon 14/49).This variant is absent from gnomAD suggesting it is not a common benign variant in the populations represented in this database. In silico algorithms predict this variant to be Deleterious (Provean; score: -6.83) and Damaging (SIFT; score: 0.000) to the function of the canonical transcript. This variant is reported as both Pathogenic and as a Variant of Uncertain Significance in ClinVar (VarID:619606). The p.Arg535Cys variant identified in this individual has been reported in five unrelated individuals with holoprosencephaly confirmed by MRI [PMID:31006513; PMID:31006510], or clinical features consistent with holoprosencephaly [PMID:31006513]. The c.1603C>T (p.Arg535Cys) variant identified in the CNOT1 gene is reported as Pathogenic.

OMIM
Classification: Pathogenic for HOLOPROSENCEPHALY 12 WITH OR WITHOUT PANCREATIC AGENESIS. Last evaluated: 2020-09-29. Review status: no assertion criteria provided. Collection method: literature only. Allele origin: germline. Not counted in ClinVar's aggregate classification.

Muenke lab, National Institutes of Health
Classification: Uncertain significance for Holoprosencephaly sequence. Review status: flagged submission. Criteria: ACMG Guidelines, 2015. Collection method: clinical testing. Allele origin: de novo. Inheritance: Sporadic. Affected: yes. Observed: 2 variant alleles. Not counted in ClinVar's aggregate classification.
ClinVar note: Reason: Outlier claim with insufficient supporting evidence

Literature cited by the submitters: PubMed 31006513 (cited by New York Genome Center and OMIM); PubMed 31006510 (cited by New York Genome Center and OMIM); PubMed 28525974 (cited by OMIM); PubMed 32553196 (cited by OMIM).